The following is an entry in ClinVar:

NM_032043.3(BRIP1):c.1141-6T>C

Gene: BRIP1 (BRCA1 interacting DNA helicase 1; minus strand). Cytogenetic location: 17q23.2.
Variant type: single nucleotide variant.
Coding change: c.1141-6T>C on transcript NM_032043.3 (MANE Select); 6 bases into the intron before coding-DNA position 1141, T replaced by C.
Molecular consequence: intron variant.
Genome position (GRCh38, 1-based): chr17:61,799,305, A>G on the plus strand (T>C on the coding strand, the complement: BRIP1 is on the minus strand). VCF-style: chr17-61799305-A-G. GRCh37 (hg19) VCF-style: chr17-59876666-A-G.
Identifiers: ClinVar variation 1566411 (VCV001566411.11), dbSNP rs876661277, ClinGen allele CA2573154325.

ClinVar aggregate classification (germline): Likely benign. Review status: criteria provided, multiple submitters, no conflicts (2 of 4 stars). 2 submissions from 2 submitters: Likely benign (2). Last evaluated 2024-08-26.

Conditions:
Familial cancer of breast. Also called: hereditary breast carcinoma; BREAST CANCER, FAMILIAL; Hereditary breast cancer. Identifiers: Orphanet 227535, MedGen C0346153, MONDO:0016419, OMIM 114480. Disease mechanism: loss of function.
Fanconi anemia complementation group J. Also called: BRIP1-Related Fanconi Anemia. Identifiers: Orphanet 84, MedGen C1836860, MONDO:0012187, OMIM 609054.

Submissions (2):

Myriad Genetics, Inc.
Classification: Likely benign for Familial cancer of breast. Last evaluated: 2024-08-26. Review status: criteria provided, single submitter. Criteria: Myriad Autosomal Dominant, Autosomal Recessive and X-Linked Classification Criteria (2023). Collection method: clinical testing. Allele origin: unknown.
Comment: This variant is considered likely benign. This variant is intronic and is not expected to impact mRNA splicing.

Labcorp Genetics (formerly Invitae), Labcorp
Classification: Likely benign for Familial cancer of breast; Fanconi anemia complementation group J. Last evaluated: 2024-03-06. Review status: criteria provided, single submitter. Criteria: Invitae Variant Classification Sherloc (09022015). Collection method: clinical testing. Allele origin: germline.